The following is an entry in ClinVar:

NM_003850.3(SUCLA2):c.749A>G (p.Tyr250Cys)

Gene: SUCLA2 (succinate-CoA ligase ADP-forming subunit beta; minus strand). Cytogenetic location: 13q14.2.
Variant type: single nucleotide variant.
Coding change: c.749A>G on transcript NM_003850.3 (MANE Select); coding-DNA position 749, A replaced by G.
Protein change: p.Tyr250Cys; replaces tyrosine 250 with cysteine.
Molecular consequence: missense variant.
Genome position (GRCh38, 1-based): chr13:47,968,648, T>C on the plus strand (A>G on the coding strand, the complement: SUCLA2 is on the minus strand). VCF-style: chr13-47968648-T-C. GRCh37 (hg19) VCF-style: chr13-48542783-T-C.
Other names: short protein forms Y250C.
Identifiers: ClinVar variation 2413890 (VCV002413890.3), dbSNP rs1949937794, ClinGen allele CA388149147.
Genomic context (GRCh38, chr13:47,968,648, plus strand): 5'-ACTTTACCAGCTCCATCTGAATCTTCCACCATTGGATTTATTTCTATCATGGTTGCATCG[T>C]ATTTCAGAAAAAGGCTGTAAAGCTTGACCATGTTTTCTGCTGCTGATTCCACAATATTAG-3'
Protein context (NP_003841.1, residues 240-260): MVKLYSLFLK[Tyr250Cys]DATMIEINPM

ClinVar aggregate classification (germline): Uncertain significance (1 of 4 stars; one submission).

Conditions:
Mitochondrial DNA depletion syndrome, encephalomyopathic form with methylmalonic aciduria (MTDPS5). Also called: MITOCHONDRIAL DNA DEPLETION SYNDROME, ENCEPHALOMYOPATHIC FORM, WITH OR WITHOUT METHYLMALONIC ACIDURIA, AUTOSOMAL RECESSIVE, SUCLA2-RELATED; Mitochondrial DNA depletion syndrome 5 (encephalomyopathic with or without methylmalonic aciduria); SUCLA2-Related Mitochondrial DNA Depletion Syndrome, Encephalomyopathic Form with Methylmalonic Aciduria; Mitochondrial encephalomyopathy aminoacidopathy. Identifiers: Orphanet 1933, MedGen C5980207, MONDO:0012791, OMIM 612073.

Allele frequency attached by ClinVar (database versions not stated): gnomAD exomes below 0.00001.
gnomAD v4.1: 1 of 1,611,878 alleles (0.000062%); highest among the groups gnomAD compares: Non-Finnish European, 0.000085%; no homozygotes.

Submission:

Labcorp Genetics (formerly Invitae), Labcorp
Classification: Uncertain significance for Mitochondrial DNA depletion syndrome, encephalomyopathic form with methylmalonic aciduria. Last evaluated: 2022-01-28. Review status: criteria provided, single submitter. Criteria: Invitae Variant Classification Sherloc (09022015). Collection method: clinical testing. Allele origin: germline.
Comment: This sequence change replaces tyrosine, which is neutral and polar, with cysteine, which is neutral and slightly polar, at codon 250 of the SUCLA2 protein (p.Tyr250Cys). This variant is not present in population databases (gnomAD no frequency). This variant has not been reported in the literature in individuals affected with SUCLA2-related conditions. Algorithms developed to predict the effect of missense changes on protein structure and function are either unavailable or do not agree on the potential impact of this missense change (SIFT: "Tolerated"; PolyPhen-2: "Probably Damaging"; Align-GVGD: "Class C0"). In summary, the available evidence is currently insufficient to determine the role of this variant in disease. Therefore, it has been classified as a Variant of Uncertain Significance.